The following is an entry in ClinVar:

ClinVar aggregate classification (germline): Uncertain significance (1 of 4 stars; one submission).

Conditions:
Myofibrillar myopathy 6. Identifiers: Orphanet 199340, MedGen C2751831, MONDO:0013061, OMIM 612954.
Dilated cardiomyopathy 1HH (CMD1HH). Identifiers: Orphanet 154, MedGen C3151293, MONDO:0013479, OMIM 613881.

Submission:

Labcorp Genetics (formerly Invitae), Labcorp
Classification: Uncertain significance for Dilated cardiomyopathy 1HH; Myofibrillar myopathy 6. Last evaluated: 2017-12-27. Review status: criteria provided, single submitter. Criteria: Invitae Variant Classification Sherloc (09022015). Collection method: clinical testing. Allele origin: germline.
Comment: A gross duplication of the genomic region encompassing the full coding sequence of the BAG3 gene has been identified. The boundaries of this event are unknown as the duplication extends beyond the assayed region for this gene and therefore may encompass additional genes. As the precise location of this duplication is unknown, it may be in tandem or it may be located elsewhere in the genome. This variant has not been reported in the literature in individuals with BAG3-related disease. In summary, the available evidence is currently insufficient to determine the role of this variant in disease. Therefore, it has been classified as a Variant of Uncertain Significance.

NC_000010.10:g.(?_121411168)_(121436814_?)dup

Gene: BAG3 (BAG cochaperone 3; plus strand). Cytogenetic location: 10q26.11.
Variant type: Duplication.
Identifiers: ClinVar variation 539169 (VCV000539169.1).